The following is an entry in ClinVar:

ClinVar aggregate classification (germline): Uncertain significance (1 of 4 stars; one submission).

Submission:

Ambry Genetics
Classification: Uncertain significance. Last evaluated: 2023-07-03. Review status: criteria provided, single submitter. Criteria: Ambry Variant Classification Scheme 2023. Collection method: clinical testing. Allele origin: germline.
Comment: The p.K272E variant (also known as c.814A>G), located in coding exon 9 of the FAM175A gene, results from an A to G substitution at nucleotide position 814. The lysine at codon 272 is replaced by glutamic acid, an amino acid with similar properties. This amino acid position is conserved. In addition, this alteration is predicted to be tolerated by in silico analysis. Since supporting evidence is limited at this time, the clinical significance of this alteration remains unclear.

NM_139076.3(ABRAXAS1):c.814A>G (p.Lys272Glu)

Gene: ABRAXAS1 (abraxas 1, BRCA1 A complex subunit; minus strand). Cytogenetic location: 4q21.23.
Variant type: single nucleotide variant.
Coding change: c.814A>G on transcript NM_139076.3 (MANE Select); coding-DNA position 814, A replaced by G.
Protein change: p.Lys272Glu; replaces lysine 272 with glutamic acid.
Molecular consequence: missense variant.
Genome position (GRCh38, 1-based): chr4:83,462,885, T>C on the plus strand (A>G on the coding strand, the complement: ABRAXAS1 is on the minus strand). VCF-style: chr4-83462885-T-C. GRCh37 (hg19) VCF-style: chr4-84384038-T-C.
Other names: c.487A>G, p.Lys163Glu (NM_001345962.2); short protein forms K163E, K272E.
Identifiers: ClinVar variation 2624488 (VCV002624488.2), dbSNP rs2529419610, ClinGen allele CA357256707.
Genomic context (GRCh38, chr4:83,462,885, plus strand): 5'-CAGAATTTGGAAAAAAGGTCCGTAATGCCTGACAAAGAAAAATGTTCTCCTGAGGGTCTT[T>C]TTGGATGTTCTTCTCTCCTAAACAAAATAGAATAACAGTTCAACATATAACATTTCTTCT-3'
Protein context (NP_620775.2, residues 262-282): IQAAREKNIQ[Lys272Glu]DPQENIFLCQ